The following is an entry in ClinVar:

NM_017739.4(POMGNT1):c.1157C>T (p.Ala386Val)

Genes: POMGNT1 (protein O-linked mannose N-acetylglucosaminyltransferase 1 (beta 1,2-); minus strand), TSPAN1 (tetraspanin 1; plus strand). Cytogenetic location: 1p34.1.
Variant type: single nucleotide variant.
Coding change: c.1157C>T on transcript NM_017739.4 (MANE Select); coding-DNA position 1157, C replaced by T.
Protein change: p.Ala386Val; replaces alanine 386 with valine.
Molecular consequence: missense variant.
Genome position (GRCh38, 1-based): chr1:46,192,954, G>A on the plus strand (C>T on the coding strand, the complement: POMGNT1 is on the minus strand). VCF-style: chr1-46192954-G-A. GRCh37 (hg19) VCF-style: chr1-46658626-G-A.
Other names: c.1157C>T, p.Ala386Val (NM_001243766.2, NM_001410783.1); c.1091C>T, p.Ala364Val (NM_001290129.3); c.728C>T, p.Ala243Val (NM_001290130.2); short protein forms A386V, A243V, A364V.
Identifiers: ClinVar variation 282461 (VCV000282461.11), dbSNP rs778179887, ClinGen allele CA833450.
Genomic context (GRCh38, chr1:46,192,954, plus strand): 5'-CCTCACCTGAAAAAATCCACAGCAATGTCCAGGTCCTCTTCCAGAACCACAGCAAACTTG[G>A]CCTCCTAGAAGGGGAATGGGACATCATGGTCCCAAAGGGGTCTCTCCATCCTGTGATCTC-3'
Protein context (NP_060209.4, residues 376-396): LTATFNLFPE[Ala386Val]KFAVVLEEDL

ClinVar aggregate classification (germline): Uncertain significance. Review status: criteria provided, multiple submitters, no conflicts (2 of 4 stars). 4 submissions from 4 submitters: Uncertain significance (3). 1 of the submissions does not count toward it. Last evaluated 2022-08-09.

Conditions:
Muscle eye brain disease (MEB). Also called: Santavuori congenital muscular dystrophy. Identifiers: Orphanet 588, Orphanet 899, MedGen C0457133, MONDO:0018939.
Muscular dystrophy-dystroglycanopathy (congenital with impaired intellectual development), type B, 3. Also called: Muscular dystrophy-dystroglycanopathy (congenital with intellectual disability), type B3; MUSCULAR DYSTROPHY, CONGENITAL, POMGNT1-RELATED. Identifiers: MedGen C3150412, MONDO:0013155, OMIM 613151.
Autosomal recessive limb-girdle muscular dystrophy type 2O. Also called: MUSCULAR DYSTROPHY-DYSTROGLYCANOPATHY, LIMB-GIRDLE, POMGNT1-RELATED; Limb-Girdle Muscular Dystrophy Type 3C; MUSCULAR DYSTROPHY-DYSTROGLYCANOPATHY (LIMB-GIRDLE), TYPE C, 3. Identifiers: Orphanet 206564, MedGen C3150417, MONDO:0013161, OMIM 613157.

Allele frequency attached by ClinVar (database versions not stated): ExAC 0.00002; TOPMed 0.00001; gnomAD exomes 0.00001 and 0.00003.
gnomAD v4.1: 48 of 1,614,130 alleles (0.003%); highest among the groups gnomAD compares: Non-Finnish European, 0.0041%; no homozygotes.

Submissions (4):

Labcorp Genetics (formerly Invitae), Labcorp
Classification: Uncertain significance for Autosomal recessive limb-girdle muscular dystrophy type 2O; Muscular dystrophy-dystroglycanopathy (congenital with impaired intellectual development), type B, 3. Last evaluated: 2022-08-09. Review status: criteria provided, single submitter. Criteria: Invitae Variant Classification Sherloc (09022015). Collection method: clinical testing. Allele origin: germline.
Comment: This sequence change replaces alanine, which is neutral and non-polar, with valine, which is neutral and non-polar, at codon 386 of the POMGNT1 protein (p.Ala386Val). This variant is present in population databases (rs778179887, gnomAD 0.0009%). This variant has not been reported in the literature in individuals affected with POMGNT1-related conditions. ClinVar contains an entry for this variant (Variation ID: 282461). Advanced modeling of protein sequence and biophysical properties (such as structural, functional, and spatial information, amino acid conservation, physicochemical variation, residue mobility, and thermodynamic stability) performed at Invitae indicates that this missense variant is not expected to disrupt POMGNT1 protein function. Algorithms developed to predict the effect of sequence changes on RNA splicing suggest that this variant may create or strengthen a splice site. In summary, the available evidence is currently insufficient to determine the role of this variant in disease. Therefore, it has been classified as a Variant of Uncertain Significance.

Blueprint Genetics
Classification: Uncertain significance. Last evaluated: 2021-10-12. Review status: criteria provided, single submitter. Criteria: ACMG Guidelines, 2015. Collection method: clinical testing. Allele origin: germline.

Eurofins Ntd Llc (ga)
Classification: Uncertain significance. Last evaluated: 2015-10-13. Review status: criteria provided, single submitter. Criteria: EGL Classification Definitions 2015. Collection method: clinical testing. Allele origin: germline. Observed: 1 variant allele, 1 heterozygote.

Natera, Inc.
Classification: Uncertain significance for Muscle-eye-brain disease. Last evaluated: 2021-09-02. Review status: no assertion criteria provided. Collection method: clinical testing. Allele origin: germline. Not counted in ClinVar's aggregate classification.